The following is an entry in ClinVar:

ClinVar aggregate classification (germline): Uncertain significance (1 of 4 stars; one submission).

Conditions:
DNA ligase IV deficiency. Identifiers: Orphanet 99812, MedGen C1847827, MONDO:0011686, OMIM 606593.

Submission:

Labcorp Genetics (formerly Invitae), Labcorp
Classification: Uncertain significance for DNA ligase IV deficiency. Last evaluated: 2022-03-04. Review status: criteria provided, single submitter. Criteria: Invitae Variant Classification Sherloc (09022015). Collection method: clinical testing. Allele origin: germline.
Comment: This sequence change replaces leucine, which is neutral and non-polar, with arginine, which is basic and polar, at codon 389 of the LIG4 protein (p.Leu389Arg). This variant is not present in population databases (gnomAD no frequency). This variant has not been reported in the literature in individuals affected with LIG4-related conditions. Algorithms developed to predict the effect of missense changes on protein structure and function (SIFT, PolyPhen-2, Align-GVGD) all suggest that this variant is likely to be disruptive. In summary, the available evidence is currently insufficient to determine the role of this variant in disease. Therefore, it has been classified as a Variant of Uncertain Significance.

NM_206937.2(LIG4):c.1166T>G (p.Leu389Arg)

Gene: LIG4 (DNA ligase 4; minus strand). Cytogenetic location: 13q33.3.
Variant type: single nucleotide variant.
Coding change: c.1166T>G on transcript NM_206937.2 (MANE Select); coding-DNA position 1166, T replaced by G.
Protein change: p.Leu389Arg; replaces leucine 389 with arginine.
Molecular consequence: missense variant.
Genome position (GRCh38, 1-based): chr13:108,210,103, A>C on the plus strand (T>G on the coding strand, the complement: LIG4 is on the minus strand). VCF-style: chr13-108210103-A-C. GRCh37 (hg19) VCF-style: chr13-108862451-A-C.
Other names: c.1166T>G, p.Leu389Arg (NM_001098268.2, NM_001352598.2, NM_001352599.2 and 6 more transcripts); c.965T>G, p.Leu322Arg (NM_001330595.2); c.1202T>G, p.Leu401Arg (NM_001352604.2); short protein forms L389R, L322R, L401R.
Identifiers: ClinVar variation 2083933 (VCV002083933.3), dbSNP rs2501607208, ClinGen allele CA388618159.